The following is an entry in ClinVar:

ClinVar aggregate classification (germline): Uncertain significance (1 of 4 stars; one submission).

Submission:

Women's Health and Genetics/Laboratory Corporation of America, LabCorp
Classification: Uncertain significance. Last evaluated: 2025-04-04. Review status: criteria provided, single submitter. Criteria: LabCorp Variant Classification Summary - May 2015. Collection method: clinical testing. Allele origin: germline.
Comment: Variant summary: KMT5B c.2627G>A (p.Arg876Lys) results in a conservative amino acid change in the encoded protein sequence. Two of three in-silico tools predict a benign effect of the variant on protein function. The variant allele was found at a frequency of 4.1e-06 in 241932 control chromosomes (gnomAD). The available data on variant occurrences in the general population are insufficient to allow any conclusion about variant significance. To our knowledge, no occurrence of c.2627G>A in individuals affected with Mental Retardation, Autosomal Dominant and no experimental evidence demonstrating its impact on protein function have been reported. No submitters have cited clinical-significance assessments for this variant to ClinVar. Based on the evidence outlined above, the variant was classified as uncertain significance.

NM_017635.5(KMT5B):c.2627G>A (p.Arg876Lys)

Gene: KMT5B (lysine methyltransferase 5B; minus strand). Cytogenetic location: 11q13.2.
Variant type: single nucleotide variant.
Coding change: c.2627G>A on transcript NM_017635.5 (MANE Select); coding-DNA position 2627, G replaced by A.
Protein change: p.Arg876Lys; replaces arginine 876 with lysine.
Molecular consequence: missense variant.
Genome position (GRCh38, 1-based): chr11:68,157,719, C>T on the plus strand (G>A on the coding strand, the complement: KMT5B is on the minus strand). VCF-style: chr11-68157719-C-T. GRCh37 (hg19) VCF-style: chr11-67925186-C-T.
Other names: c.2111G>A, p.Arg704Lys (NM_001300907.1, NM_001369428.1, NM_001369429.1 and 4 more transcripts); c.1907G>A, p.Arg636Lys (NM_001300908.2); c.2627G>A, p.Arg876Lys (NM_001369426.1); short protein forms R636K, R704K, R876K.
Identifiers: ClinVar variation 3896466 (VCV003896466.2).